The following is an entry in ClinVar:

ClinVar aggregate classification (germline): Conflicting classifications of pathogenicity. Review status: criteria provided, conflicting classifications (1 of 4 stars). 9 submissions from 9 submitters: Uncertain significance (2); Likely benign (7). Last evaluated 2026-05-28.

Conditions:
TTN-related disorder. Also called: TTN-related condition; TTN-related disease; TTN-related disorders.
Autosomal recessive limb-girdle muscular dystrophy type 2J (LGMDR10). Also called: Limb-girdle muscular dystrophy, type 2J; MUSCULAR DYSTROPHY, LIMB-GIRDLE, AUTOSOMAL RECESSIVE 10. Identifiers: Orphanet 140922, MedGen C1837342, MONDO:0012127, OMIM 608807.
Dilated cardiomyopathy 1G (CMD1G). Identifiers: Orphanet 154, MedGen C1858763, MONDO:0011400, OMIM 604145.
Cardiomyopathy (CMYO). Also called: Cardiomyopathies. Identifiers: Orphanet 167848, MedGen C0878544, MONDO:0004994, HP:0001638. Inheritance: Various modes of inheritance.

Allele frequency attached by ClinVar (database versions not stated): gnomAD exomes 0.00009 and 0.00006; gnomAD 0.00011; TOPMed 0.00019; ExAC 0.00004; ESP Exome Variant Server 0.00008.
gnomAD v4.1: 153 of 1,567,408 alleles (0.0098%); highest among the groups gnomAD compares: Middle Eastern, 0.051%; no homozygotes.

Submissions (9):

PreventionGenetics, part of Exact Sciences
Classification: Likely benign for TTN-related condition. Last evaluated: 2026-05-28. Review status: criteria provided, single submitter. Criteria: ACMG Guidelines, 2015. Collection method: clinical testing. Allele origin: germline.
Comment: This variant is classified as likely benign based on ACMG/AMP sequence variant interpretation guidelines (Richards et al. 2015 PMID: 25741868, with internal and published modifications).

Labcorp Genetics (formerly Invitae), Labcorp
Classification: Likely benign for Dilated cardiomyopathy 1G; Autosomal recessive limb-girdle muscular dystrophy type 2J. Last evaluated: 2026-01-23. Review status: criteria provided, single submitter. Criteria: Invitae Variant Classification Sherloc (09022015). Collection method: clinical testing. Allele origin: germline.

ARUP Laboratories, Molecular Genetics and Genomics, ARUP Laboratories
Classification: Likely benign. Last evaluated: 2025-07-08. Review status: criteria provided, single submitter. Criteria: ARUP Molecular Germline Variant Investigation Process 2024. Collection method: clinical testing. Allele origin: germline.

Molecular Diagnostic Laboratory for Inherited Cardiovascular Disease, Montreal Heart Institute
Classification: Likely benign. Last evaluated: 2025-04-09. Review status: criteria provided, single submitter. Criteria: ACMG Guidelines, 2015. Collection method: clinical testing. Allele origin: germline. Affected: no.

Blueprint Genetics
Classification: Likely benign. Last evaluated: 2024-10-31. Review status: criteria provided, single submitter. Criteria: ACMG Guidelines, 2015. Collection method: clinical testing. Allele origin: germline.

CHEO Genetics Diagnostic Laboratory, Children's Hospital of Eastern Ontario
Classification: Uncertain significance for Cardiomyopathy. Last evaluated: 2021-10-13. Review status: criteria provided, single submitter. Criteria: ACMG Guidelines, 2015. Collection method: clinical testing. Allele origin: germline.

GeneDx
Classification: Likely benign. Last evaluated: 2021-01-22. Review status: criteria provided, single submitter. Criteria: GeneDx Variant Classification Process June 2021. Collection method: clinical testing. Allele origin: germline. Affected: yes.

Eurofins Ntd Llc (ga)
Classification: Uncertain significance. Last evaluated: 2017-11-14. Review status: criteria provided, single submitter. Criteria: EGL Classification Definitions 2015. Collection method: clinical testing. Allele origin: germline. Observed: 3 variant alleles, 3 heterozygotes.

Laboratory for Molecular Medicine, Mass General Brigham Personalized Medicine
Classification: Likely benign. Last evaluated: 2012-03-19. Review status: criteria provided, single submitter. Criteria: LMM Criteria. Collection method: clinical testing. Allele origin: germline. Observed: 1 variant allele.
Comment: 15983-4A>G in intron 64 of TTN: This variant is not expected to have clinical si gnificance because it is not located within the splice consensus sequence. It ha s been identified in 1/6542 European American chromosomes from a broad populatio n by the NHLBI Exome Sequencing Project. 159 83-4A>G in intron 64 of TTN (allele frequency = 0.4%, 1/6542) **

NM_001267550.2(TTN):c.19715-4A>G

Gene: TTN (titin; minus strand). Cytogenetic location: 2q31.2.
Variant type: single nucleotide variant.
Coding change: c.19715-4A>G on transcript NM_001267550.2 (MANE Select); 4 bases into the intron before coding-DNA position 19715, A replaced by G.
Molecular consequence: intron variant.
Genome position (GRCh38, 1-based): chr2:178,727,867, T>C on the plus strand (A>G on the coding strand, the complement: TTN is on the minus strand). VCF-style: chr2-178727867-T-C. GRCh37 (hg19) VCF-style: chr2-179592594-T-C.
Other names: c.13282+10215A>G (NM_003319.4); c.13858+10215A>G (NM_133437.4); c.13657+10215A>G (NM_133432.3); c.15983-4A>G (NM_133378.4); c.18764-4A>G (NM_001256850.1).
Identifiers: ClinVar variation 46660 (VCV000046660.28), dbSNP rs375009631, ClinGen allele CA138885.